The following is an entry in ClinVar:

NM_020911.2(PLXNA4):c.1614G>A (p.Arg538=)

Gene: PLXNA4 (plexin A4; minus strand). Cytogenetic location: 7q32.3.
Variant type: single nucleotide variant.
Coding change: c.1614G>A on transcript NM_020911.2 (MANE Select); coding-DNA position 1614, G replaced by A.
Protein change: p.Arg538=; no amino-acid change (arginine 538 retained).
Molecular consequence: synonymous variant.
Genome position (GRCh38, 1-based): chr7:132,228,460, C>T on the plus strand (G>A on the coding strand, the complement: PLXNA4 is on the minus strand). VCF-style: chr7-132228460-C-T. GRCh37 (hg19) VCF-style: chr7-131913219-C-T.
Other names: c.1614G>A, p.Arg538= (NM_001393897.1).
Identifiers: ClinVar variation 3353692 (VCV003353692.1).

ClinVar aggregate classification (germline): Likely benign (0 of 4 stars; one submission).

Conditions:
PLXNA4-related disorder. Also called: PLXNA4-related condition.

gnomAD v4.1: 1 of 1,614,162 alleles (0.000062%); highest among the groups gnomAD compares: Non-Finnish European, 0.000085%; no homozygotes.

Submission:

PreventionGenetics, part of Exact Sciences
Classification: Likely benign for PLXNA4-related condition. Last evaluated: 2022-05-26. Review status: no assertion criteria provided. Collection method: clinical testing. Allele origin: germline.
Comment: This variant is classified as likely benign based on ACMG/AMP sequence variant interpretation guidelines (Richards et al. 2015 PMID: 25741868, with internal and published modifications).